The following is an entry in ClinVar:

ClinVar aggregate classification (germline): Uncertain significance. Review status: criteria provided, multiple submitters, no conflicts (2 of 4 stars). 2 submissions from 2 submitters: Uncertain significance (2). Last evaluated 2025-11-02.

Conditions:
Hereditary cancer-predisposing syndrome. Also called: Neoplastic Syndromes, Hereditary; Hereditary Cancer Syndrome; Tumor predisposition; Hereditary neoplastic syndrome. Identifiers: Orphanet 140162, MedGen C0027672, MeSH D009386, MONDO:0015356.
Neuroblastoma, susceptibility to, 3. Also called: ALK-Related Neuroblastic Tumor Susceptibility. Identifiers: Orphanet 635, MedGen C2751681, MONDO:0013083, OMIM 613014.

Submissions (2):

Labcorp Genetics (formerly Invitae), Labcorp
Classification: Uncertain significance for Neuroblastoma, susceptibility to, 3. Last evaluated: 2025-11-02. Review status: criteria provided, single submitter. Criteria: Invitae Variant Classification Sherloc (09022015). Collection method: clinical testing. Allele origin: germline.
Comment: This sequence change creates a premature translational stop signal (p.Ser1611Argfs*4) in the ALK gene. While this is not anticipated to result in nonsense mediated decay, it is expected to disrupt the last 10 amino acid(s) of the ALK protein. This variant is not present in population databases (gnomAD no frequency). This variant has not been reported in the literature in individuals affected with ALK-related conditions. ClinVar contains an entry for this variant (Variation ID: 582038). In summary, the available evidence is currently insufficient to determine the role of this variant in disease. Therefore, it has been classified as a Variant of Uncertain Significance.

Ambry Genetics
Classification: Uncertain significance for Hereditary cancer-predisposing syndrome. Last evaluated: 2025-09-16. Review status: criteria provided, single submitter. Criteria: Ambry Variant Classification Scheme 2023. Collection method: clinical testing. Allele origin: germline.
Comment: The c.4833_4836delCAAG variant, located in coding exon 29 of the ALK gene, results from a deletion of 4 nucleotides at nucleotide positions 4833 to 4836, causing a translational frameshift with a predicted alternate stop codon (p.S1611Rfs*4). This alteration occurs at the 3' terminus of the gene and is not expected to trigger nonsense-mediated mRNA decay. Based on the available evidence, the clinical significance of this alteration remains unclear.

NM_004304.5(ALK):c.4833_4836del (p.Ser1611fs)

Gene: ALK (ALK receptor tyrosine kinase; minus strand). Cytogenetic location: 2p23.2.
Variant type: Deletion.
Coding change: c.4833_4836del on transcript NM_004304.5 (MANE Select); coding-DNA positions 4833 to 4836, 4 bases deleted (CAAG; older notation c.4833_4836delCAAG).
Protein change: p.Ser1611fs; shifts the reading frame from serine 1611.
Molecular consequence: frameshift variant.
Genome position (GRCh38, 1-based): chr2:29,193,251-29,193,254, CTTG deleted on the plus strand (CAAG on the coding strand, the reverse complement: ALK is on the minus strand); deleting any 4 consecutive bases within chr2:29,193,251-29,193,257 gives the same sequence; the c. name uses the placement nearest the transcript's 3' end. VCF-style (leftmost placement, unchanged base first): chr2-29193250-TCTTG-T. GRCh37 (hg19) VCF-style: chr2-29416116-TCTTG-T.
Other names: c.1629_1632del, p.Ser543fs (NM_001353765.2); short protein forms S1611fs, S543fs.
Identifiers: ClinVar variation 582038 (VCV000582038.9), dbSNP rs1558603069, ClinGen allele CA891843393.